The following is an entry in ClinVar:

NM_080732.4(EGLN2):c.1141G>A (p.Ala381Thr)

Genes: EGLN2 (egl-9 family hypoxia inducible factor 2; plus strand), RAB4B-EGLN2 (RAB4B-EGLN2 readthrough (NMD candidate); plus strand). Cytogenetic location: 19q13.2.
Variant type: single nucleotide variant.
Coding change: c.1141G>A on transcript NM_080732.4 (MANE Select); coding-DNA position 1141, G replaced by A.
Protein change: p.Ala381Thr; replaces alanine 381 with threonine.
Molecular consequence: missense variant. On other transcripts: non-coding transcript variant (1).
Genome position (GRCh38, 1-based): chr19:40,807,524, G>A. VCF-style: chr19-40807524-G-A. GRCh37 (hg19) VCF-style: chr19-41313429-G-A.
Other names: c.1141G>A, p.Ala381Thr (NM_053046.4); short protein forms A381T.
Identifiers: ClinVar variation 3507254 (VCV003507254.1).
Genomic context (GRCh38, chr19:40,807,524, plus strand): 5'-CCAACCACCCTGGTCTCCAGGTACGCCATCACTGTCTGGTATTTTGATGCCAAGGAGCGG[G>A]CAGCAGCCAAAGACAAGTATCAGCTAGGTACCTGCTTCCCTCCCTTCAGTCCTTCCTATT-3'
Protein context (NP_542770.2, residues 371-391): TVWYFDAKER[Ala381Thr]AAKDKYQLAS

ClinVar aggregate classification (germline): Uncertain significance (1 of 4 stars; one submission).

Submission:

Ambry Genetics
Classification: Uncertain significance. Last evaluated: 2024-07-06. Review status: criteria provided, single submitter. Criteria: Ambry Variant Classification Scheme 2023. Collection method: clinical testing. Allele origin: germline.
Comment: The p.A381T variant (also known as c.1141G>A), located in coding exon 4 of the EGLN2 gene, results from a G to A substitution at nucleotide position 1141. The alanine at codon 381 is replaced by threonine, an amino acid with similar properties. This amino acid position is conserved. In addition, this alteration is predicted to be tolerated by in silico analysis. Based on the available evidence, the clinical significance of this variant remains unclear.